The following is an entry in ClinVar:

NM_020911.2(PLXNA4):c.780A>T (p.Gln260His)

Gene: PLXNA4 (plexin A4; minus strand). Cytogenetic location: 7q32.3.
Variant type: single nucleotide variant.
Coding change: c.780A>T on transcript NM_020911.2 (MANE Select); coding-DNA position 780, A replaced by T.
Protein change: p.Gln260His; replaces glutamine 260 with histidine.
Molecular consequence: missense variant.
Genome position (GRCh38, 1-based): chr7:132,507,914, T>A on the plus strand (A>T on the coding strand, the complement: PLXNA4 is on the minus strand). VCF-style: chr7-132507914-T-A. GRCh37 (hg19) VCF-style: chr7-132192673-T-A.
Other names: c.780A>T, p.Gln260His (NM_001105543.2, NM_001393897.1, NM_181775.4); short protein forms Q260H.
Identifiers: ClinVar variation 3307931 (VCV003307931.2).

ClinVar aggregate classification (germline): Uncertain significance. Review status: criteria provided, multiple submitters, no conflicts (2 of 4 stars). 2 submissions from 2 submitters: Uncertain significance (2). Last evaluated 2026-01-09.

Conditions:
PLXNA4-related disorder. Also called: PLXNA4-related condition.

gnomAD v4.1: 9 of 1,613,920 alleles (0.00056%); highest among the groups gnomAD compares: African/African-American, 0.0013%; no homozygotes.

Submissions (2):

PreventionGenetics, part of Exact Sciences
Classification: Uncertain significance for PLXNA4-related condition. Last evaluated: 2026-01-09. Review status: criteria provided, single submitter. Criteria: ACMG Guidelines, 2015. Collection method: clinical testing. Allele origin: germline.
Comment: The PLXNA4 c.780A>T variant is predicted to result in the amino acid substitution p.Gln260His. To our knowledge, this variant has not been reported in the literature. This variant is reported in 0.0026% of alleles in individuals of European (Non-Finnish) descent in gnomAD. At this time, the clinical significance of this variant is uncertain due to the absence of conclusive functional and genetic evidence.

Ambry Genetics
Classification: Uncertain significance. Last evaluated: 2024-04-06. Review status: criteria provided, single submitter. Criteria: Ambry Variant Classification Scheme 2023. Collection method: clinical testing. Allele origin: germline.